The following is an entry in ClinVar:

ClinVar aggregate classification (germline): Uncertain significance (1 of 4 stars; one submission).

Conditions:
Leukodystrophy, hypomyelinating, 12. Identifiers: Orphanet 466934, MedGen C4225247, MONDO:0014732, OMIM 616683.

Submission:

Broad Center for Mendelian Genomics, Broad Institute of MIT and Harvard
Classification: Uncertain significance for Leukodystrophy, hypomyelinating, 12. Last evaluated: 2018-06-15. Review status: criteria provided, single submitter. Criteria: ACMG Guidelines, 2015. Collection method: research. Allele origin: germline. Inheritance: Autosomal recessive inheritance. Affected: yes.
Comment: This variant was absent from large population studies. The Serine (Ser) at position 852 is highly conserved in mammals and evolutionarily distant species, raising the possibility that a change at this position may not be tolerated. Computational prediction tools suggest that this variant may impact the protein, though this information is not predictive enough to determine pathogenicity. In summary, while there is some suspicion for a pathogenic role, the clinical significance of this variant is uncertain.

NM_021729.6(VPS11):c.2557A>G (p.Ser853Gly)

Gene: VPS11 (VPS11 core subunit of CORVET and HOPS complexes; plus strand). Cytogenetic location: 11q23.3.
Variant type: single nucleotide variant.
Coding change: c.2557A>G on transcript NM_021729.6 (MANE Select); coding-DNA position 2557, A replaced by G.
Protein change: p.Ser853Gly; replaces serine 853 with glycine.
Molecular consequence: missense variant. On other transcripts: non-coding transcript variant (8).
Genome position (GRCh38, 1-based): chr11:119,081,210, A>G. VCF-style: chr11-119081210-A-G. GRCh37 (hg19) VCF-style: chr11-118951920-A-G.
Other names: c.2527A>G, p.Ser843Gly (NM_001290185.2); c.2569A>G, p.Ser857Gly (NM_001378218.1, NM_001378219.1); c.2542A>G, p.Ser848Gly (NM_001378220.1); c.2539A>G, p.Ser847Gly (NM_001378221.1); short protein forms S853G, S843G, S847G, S848G, S857G.
Identifiers: ClinVar variation 635068 (VCV000635068.1), dbSNP rs1565746289, ClinGen allele CA382980369.